The following is an entry in ClinVar:

NM_170682.4(P2RX2):c.1043C>T (p.Ala348Val)

Gene: P2RX2 (purinergic receptor P2X 2; plus strand). Cytogenetic location: 12q24.33.
Variant type: single nucleotide variant.
Coding change: c.1043C>T on transcript NM_170682.4 (MANE Select); coding-DNA position 1043, C replaced by T.
Protein change: p.Ala348Val; replaces alanine 348 with valine.
Molecular consequence: missense variant. On other transcripts: 3 prime UTR variant (1).
Genome position (GRCh38, 1-based): chr12:132,621,521, C>T. VCF-style: chr12-132621521-C-T. GRCh37 (hg19) VCF-style: chr12-133198107-C-T.
Other names: c.941C>T, p.Ala314Val (NM_001282164.2); c.*12C>T (NM_001282165.2); c.827C>T, p.Ala276Val (NM_012226.5); c.971C>T, p.Ala324Val (NM_016318.4); c.1043C>T, p.Ala348Val (NM_170683.4, NM_174873.3); c.767C>T, p.Ala256Val (NM_174872.3); short protein forms A256V, A276V, A314V, A324V, A348V.
Identifiers: ClinVar variation 4854462 (VCV004854462.1).

ClinVar aggregate classification (germline): Uncertain significance (1 of 4 stars; one submission).

Conditions:
Autosomal dominant nonsyndromic hearing loss 41. Also called: Deafness, autosomal dominant 41. Identifiers: Orphanet 90635, MedGen C1842371, MONDO:0011994, OMIM 608224.

Submission:

3billion
Classification: Uncertain significance for Autosomal dominant nonsyndromic hearing loss 41. Last evaluated: 2025-07-16. Review status: criteria provided, single submitter. Criteria: ACMG Guidelines, 2015. Collection method: clinical testing. Allele origin: germline. Affected: yes.
Comment: The variant is observed at an extremely low frequency in the gnomAD v4.1.0 dataset (total allele frequency: <0.001%). Predicted Consequence/Location: Missense variant. Missense changes are a common disease-causing mechanism. Therefore, this variant is classified as VUS according to the recommendation of ACMG/AMP guideline.